The following is an entry in ClinVar:

NM_001933.5(DLST):c.771-10A>G

Gene: DLST (dihydrolipoamide S-succinyltransferase; plus strand). Cytogenetic location: 14q24.3.
Variant type: single nucleotide variant.
Coding change: c.771-10A>G on transcript NM_001933.5 (MANE Select); 10 bases into the intron before coding-DNA position 771, A replaced by G.
Molecular consequence: intron variant.
Genome position (GRCh38, 1-based): chr14:74,898,359, A>G. VCF-style: chr14-74898359-A-G. GRCh37 (hg19) VCF-style: chr14-75365062-A-G.
Other names: c.771-10A>G (NM_001933.4).
Identifiers: ClinVar variation 2788064 (VCV002788064.5), dbSNP rs2080087, ClinGen allele CA7273648.

ClinVar aggregate classification (germline): Benign. Review status: criteria provided, single submitter (1 of 4 stars). 2 submissions from 2 submitters: Benign (1). 1 of the submissions does not count toward it. Last evaluated 2026-02-03.

Conditions:
DLST-related disorder. Also called: DLST-related condition.

Allele frequency attached by ClinVar (database versions not stated): gnomAD exomes 0.55397; ESP Exome Variant Server 0.65516; 1000 Genomes Project 0.66653; TOPMed 0.64571; 1000 Genomes Project 30x 0.67349; ExAC 0.58859; gnomAD 0.64967.
gnomAD v4.1: 905,154 of 1,607,770 alleles (56%); highest among the groups gnomAD compares: African/African-American, 92%; 262,126 homozygotes.

Submissions (2):

Labcorp Genetics (formerly Invitae), Labcorp
Classification: Benign. Last evaluated: 2026-02-03. Review status: criteria provided, single submitter. Criteria: Invitae Variant Classification Sherloc (09022015). Collection method: clinical testing. Allele origin: germline.

PreventionGenetics, part of Exact Sciences
Classification: Benign for DLST-related condition. Last evaluated: 2019-10-17. Review status: no assertion criteria provided. Collection method: clinical testing. Allele origin: germline. Not counted in ClinVar's aggregate classification.
Comment: This variant is classified as benign based on ACMG/AMP sequence variant interpretation guidelines (Richards et al. 2015 PMID: 25741868, with internal and published modifications).